The following is an entry in ClinVar:

ClinVar aggregate classification (germline): Conflicting classifications of pathogenicity. Review status: criteria provided, conflicting classifications (1 of 4 stars). 3 submissions from 3 submitters: Uncertain significance (2); Benign (1). Last evaluated 2026-05-23.

Conditions:
Pallister-Hall syndrome (PHS). Also called: HYPOTHALAMIC HAMARTOBLASTOMA, HYPOPITUITARISM, IMPERFORATE ANUS, AND POSTAXIAL POLYDACTYLY; GLI3-Related Pallister-Hall Syndrome. Identifiers: Orphanet 672, MedGen C0265220, MONDO:0007804, OMIM 146510.
Polysyndactyly 4. Also called: Polysyndactyly uncomplicated; Preaxial polydactyly 4. Identifiers: Orphanet 93338, MedGen C1868111, MONDO:0008272, OMIM 174700.
Polydactyly, postaxial, type A1. Identifiers: MedGen C4282400, MONDO:0008266, OMIM 174200.
Greig cephalopolysyndactyly syndrome (GCPS). Also called: POLYSYNDACTYLY WITH PECULIAR SKULL SHAPE; Greig syndrome; GLI3-Related Greig Cephalopolysyndactyly Syndrome. Identifiers: Orphanet 380, MedGen C0265306, MONDO:0008287, OMIM 175700.
Inborn genetic diseases. Identifiers: MedGen C0950123, MeSH D030342.

Allele frequency attached by ClinVar (database versions not stated): gnomAD 0.00003; ExAC 0.00002; TOPMed 0.00004; ESP Exome Variant Server 0.00008; gnomAD exomes 0.00002.
gnomAD v4.1: 29 of 1,613,906 alleles (0.0018%); highest among the groups gnomAD compares: Middle Eastern, 0.016%; no homozygotes.

Submissions (3):

Ambry Genetics
Classification: Uncertain significance for Inborn genetic diseases. Last evaluated: 2026-05-23. Review status: criteria provided, single submitter. Criteria: Ambry Variant Classification Scheme 2023. Collection method: clinical testing. Allele origin: germline.
Comment: The c.1471T>C (p.F491L) alteration is located in exon 10 (coding exon 9) of the GLI3 gene. This alteration results from a T to C substitution at nucleotide position 1471, causing the phenylalanine (F) at amino acid position 491 to be replaced by a leucine (L). Based on data from gnomAD, the C allele has an overall frequency of 0.002% (5/282872) total alleles studied. The highest observed frequency was 0.003% (4/129186) of European (non-Finnish) alleles. Based on insufficient or conflicting evidence, the clinical significance of this alteration remains unclear.

Labcorp Genetics (formerly Invitae), Labcorp
Classification: Benign for Pallister-Hall syndrome; Greig cephalopolysyndactyly syndrome. Last evaluated: 2025-06-17. Review status: criteria provided, single submitter. Criteria: Invitae Variant Classification Sherloc (09022015). Collection method: clinical testing. Allele origin: germline.

Fulgent Genetics
Classification: Uncertain significance for Pallister-Hall syndrome; Polydactyly, postaxial, type A1; Polysyndactyly 4; Greig cephalopolysyndactyly syndrome. Last evaluated: 2024-01-04. Review status: criteria provided, single submitter. Criteria: ACMG Guidelines, 2015. Collection method: clinical testing. Allele origin: germline.

NM_000168.6(GLI3):c.1471T>C (p.Phe491Leu)

Gene: GLI3 (GLI family zinc finger 3; minus strand). Cytogenetic location: 7p14.1.
Variant type: single nucleotide variant.
Coding change: c.1471T>C on transcript NM_000168.6 (MANE Select); coding-DNA position 1471, T replaced by C.
Protein change: p.Phe491Leu; replaces phenylalanine 491 with leucine.
Molecular consequence: missense variant.
Genome position (GRCh38, 1-based): chr7:42,023,494, A>G on the plus strand (T>C on the coding strand, the complement: GLI3 is on the minus strand). VCF-style: chr7-42023494-A-G. GRCh37 (hg19) VCF-style: chr7-42063093-A-G.
Other names: c.1471T>C (NM_000168.5); short protein forms F491L.
Identifiers: ClinVar variation 2082732 (VCV002082732.6), dbSNP rs145184527, ClinGen allele CA4230836.